The following is an entry in ClinVar:

ClinVar aggregate classification (germline): Uncertain significance (1 of 4 stars; one submission).

gnomAD v4.1: 1 of 1,614,156 alleles (0.000062%); highest among the groups gnomAD compares: Non-Finnish European, 0.000085%; no homozygotes.

Submission:

Labcorp Genetics (formerly Invitae), Labcorp
Classification: Uncertain significance. Last evaluated: 2025-11-11. Review status: criteria provided, single submitter. Criteria: Invitae Variant Classification Sherloc (09022015). Collection method: clinical testing. Allele origin: germline.
Comment: This sequence change replaces proline, which is neutral and non-polar, with alanine, which is neutral and non-polar, at codon 1838 of the KMT2E protein (p.Pro1838Ala). This variant is present in population databases (rs780397336, gnomAD 0.01%). This variant has not been reported in the literature in individuals affected with KMT2E-related conditions. An algorithm developed to predict the effect of missense changes on protein structure and function (PolyPhen-2) suggests that this variant is likely to be tolerated. In summary, the available evidence is currently insufficient to determine the role of this variant in disease. Therefore, it has been classified as a Variant of Uncertain Significance.

NM_182931.3(KMT2E):c.5512C>G (p.Pro1838Ala)

Gene: KMT2E (lysine methyltransferase 2E (inactive); plus strand). Cytogenetic location: 7q22.3.
Variant type: single nucleotide variant.
Coding change: c.5512C>G on transcript NM_182931.3 (MANE Select); coding-DNA position 5512, C replaced by G.
Protein change: p.Pro1838Ala; replaces proline 1838 with alanine.
Molecular consequence: missense variant.
Genome position (GRCh38, 1-based): chr7:105,113,268, C>G. VCF-style: chr7-105113268-C-G. GRCh37 (hg19) VCF-style: chr7-104753715-C-G.
Other names: c.5386C>G, p.Pro1796Ala (NM_001410908.1); c.5512C>G, p.Pro1838Ala (NM_018682.4); short protein forms P1838A, P1796A.
Identifiers: ClinVar variation 4743795 (VCV004743795.1).